The following is an entry in ClinVar:

ClinVar aggregate classification (germline): Pathogenic (1 of 4 stars; one submission).

Conditions:
LAMA2-related muscular dystrophy (LAMA2-RD). Also called: Laminin alpha 2-related dystrophy. Identifiers: MedGen C5679788, MONDO:0100228.

Submission:

Labcorp Genetics (formerly Invitae), Labcorp
Classification: Pathogenic for LAMA2-related muscular dystrophy. Last evaluated: 2021-10-02. Review status: criteria provided, single submitter. Criteria: Invitae Variant Classification Sherloc (09022015). Collection method: clinical testing. Allele origin: germline.
Comment: For these reasons, this variant has been classified as Pathogenic. This variant has not been reported in the literature in individuals affected with LAMA2-related conditions. This variant is a gross deletion of the genomic region encompassing exon(s) 31-34 of the LAMA2 gene. This deletion is out-of-frame, and is expected to create a premature termination codon and result in an absent or disrupted protein product. Loss-of-function variants in LAMA2 are known to be pathogenic (PMID: 18700894).

Literature cited by the submitters: PubMed 18700894.

NC_000006.11:g.(?_129670423)_(129691155_?)del

Gene: LAMA2 (laminin subunit alpha 2; plus strand). Cytogenetic location: 6q22.33.
Variant type: Deletion.
Identifiers: ClinVar variation 1459099 (VCV001459099.5).